The following is an entry in ClinVar:

NM_000500.7(CYP21A2):c.[710T>A;713T>A;719T>A]

Variant type: Haplotype.
Identifiers: ClinVar variation 31662 (VCV000031662.4).

ClinVar aggregate classification (germline): Pathogenic. Review status: criteria provided, multiple submitters, no conflicts (2 of 4 stars). 3 submissions from 3 submitters: Pathogenic (2). 1 of the submissions does not count toward it. Last evaluated 2022-09-30.

Conditions:
21-Hydroxylase-Deficient Congenital Adrenal Hyperplasia. Also called: ADRENAL HYPERPLASIA, CONGENITAL, DUE TO 21-HYDROXYLASE DEFICIENCY; ADRENAL HYPERPLASIA III. Identifiers: MedGen C2936858, OMIM 201910.
Congenital adrenal hyperplasia. Identifiers: Orphanet 418, MedGen C0001627, MONDO:0018479, HP:0008258.

Submissions (3):

Women's Health and Genetics/Laboratory Corporation of America, LabCorp
Classification: Pathogenic for Congenital adrenal hyperplasia. Last evaluated: 2022-09-30. Review status: criteria provided, single submitter. Criteria: LabCorp Variant Classification Summary - May 2015. Collection method: clinical testing. Allele origin: germline.
Comment: Variant summary: CYP21A2 c.[710T>A;713T>A;719T>A] (p.[Ile237Asn;Val238Glu;Met240Lys]) variant is a complex allele and involves the alteration of multiple nucleotides. The allele frequency of this complex variant could not be determined from population databases such as gnomAD, because the individual variants of the complex have variable frequencies and the exact number of alleles representing a combination of the three in cis is unknown. However, based on the frequency of the least prevalent alleles, namely c.710T>A and c.713T>A, it can be estimated that the complex variant allele will be found at a frequency not to exceed 1.3e-05 in 150898 control chromosomes (gnomAD v3.1.2). This cluster of 3 variants, c.[710T>A;713T>A;719T>A], is assumed to be transferred together from the CYP21A1P pseudogene to CYP21A2 in a continuous stretch of DNA (Robins_2005), and has been reported in the literature in multiple individuals affected with Congenital Adrenal Hyperplasia (e.g. Higashi_1991, Barbat_1995, Chang_2011, New_2013, Kirac_2014, Essawi_2020, Wang_2021). These data indicate that the variant is very likely to be associated with disease. Experimental evidence evaluating an impact on protein function demonstrated this complex variant has no detectable enzymatic activity (Tusie-Luna_1990, Higashi_1991, Felix-Lopez_2003, Robins_2005). The variant, described as c.710_719delinsACGAGGAGAA, is cited in ClinVar by two submitters (evaluation after 2014) as pathogenic. Based on the evidence outlined above, the variant was classified as pathogenic.

Newborn Screening Ontario, Children's Hospital of Eastern Ontario (CHEO)
Classification: Pathogenic for 21-Hydroxylase-Deficient Congenital Adrenal Hyperplasia. Last evaluated: 2022-06-01. Review status: criteria provided, single submitter. Criteria: ACMG Guidelines, 2015. Collection method: clinical testing. Allele origin: germline. Inheritance: Autosomal recessive inheritance.

OMIM
Classification: Pathogenic for ADRENAL HYPERPLASIA, CONGENITAL, DUE TO 21-HYDROXYLASE DEFICIENCY, SALT-WASTING TYPE. Last evaluated: 2005-04-01. Review status: no assertion criteria provided. Collection method: literature only. Allele origin: germline. Not counted in ClinVar's aggregate classification.

Literature cited by the submitters: PubMed 7749410 (cited by Women's Health and Genetics/Laboratory Corporation of America, LabCorp); PubMed 14513879 (cited by Women's Health and Genetics/Laboratory Corporation of America, LabCorp); PubMed 15623806 (cited by Women's Health and Genetics/Laboratory Corporation of America, LabCorp and OMIM); PubMed 2249999 (cited by Women's Health and Genetics/Laboratory Corporation of America, LabCorp); PubMed 1869518 (cited by Women's Health and Genetics/Laboratory Corporation of America, LabCorp); PubMed 23359698 (cited by Women's Health and Genetics/Laboratory Corporation of America, LabCorp); PubMed 33864926 (cited by Women's Health and Genetics/Laboratory Corporation of America, LabCorp); PubMed 21117955 (cited by Women's Health and Genetics/Laboratory Corporation of America, LabCorp); PubMed 32614782 (cited by Women's Health and Genetics/Laboratory Corporation of America, LabCorp); PubMed 25227725 (cited by Women's Health and Genetics/Laboratory Corporation of America, LabCorp); PubMed 2845408 (cited by OMIM); PubMed 7479886 (cited by OMIM).